The following is an entry in ClinVar:

NM_001556.3(IKBKB):c.-107G>C

Genes: IKBKB (inhibitor of nuclear factor kappa B kinase subunit beta; plus strand), LOC130000299 (ATAC-STARR-seq lymphoblastoid silent region 19154; plus strand). Cytogenetic location: 8p11.21.
Variant type: single nucleotide variant.
Coding change: c.-107G>C on transcript NM_001556.3 (MANE Select); 107 bases upstream of the start codon, G replaced by C.
Molecular consequence: 5 prime UTR variant. On other transcripts: non-coding transcript variant (3).
Genome position (GRCh38, 1-based): chr8:42,271,381, G>C. VCF-style: chr8-42271381-G-C. GRCh37 (hg19) VCF-style: chr8-42128899-G-C.
Other names: c.-176G>C (NM_001190720.3); c.-189G>C (NM_001242778.2).
Identifiers: ClinVar variation 3039446 (VCV003039446.3), dbSNP rs201028246, ClinGen allele CA4731512.

ClinVar aggregate classification (germline): Likely benign. Review status: criteria provided, single submitter (1 of 4 stars). 2 submissions from 2 submitters: Likely benign (1). 1 of the submissions does not count toward it. Last evaluated 2024-11-13.

Conditions:
IKBKB-related disorder. Also called: IKBKB-related condition.

Allele frequency attached by ClinVar (database versions not stated): 1000 Genomes Project 0.00060; 1000 Genomes Project 30x 0.00078; ExAC 0.00225.
gnomAD v4.1: 1,857 of 1,510,110 alleles (0.12%); highest among the groups gnomAD compares: South Asian, 0.31%; 3 homozygotes.

Submissions (2):

Blueprint Genetics
Classification: Likely benign. Last evaluated: 2024-11-13. Review status: criteria provided, single submitter. Criteria: ACMG Guidelines, 2015. Collection method: clinical testing. Allele origin: germline.

PreventionGenetics, part of Exact Sciences
Classification: Likely benign for IKBKB-related condition. Last evaluated: 2023-11-30. Review status: no assertion criteria provided. Collection method: clinical testing. Allele origin: germline. Not counted in ClinVar's aggregate classification.
Comment: This variant is classified as likely benign based on ACMG/AMP sequence variant interpretation guidelines (Richards et al. 2015 PMID: 25741868, with internal and published modifications).